The following is an entry in ClinVar:

ClinVar aggregate classification (germline): Uncertain significance. Review status: criteria provided, multiple submitters, no conflicts (2 of 4 stars). 2 submissions from 2 submitters: Uncertain significance (2). Last evaluated 2025-04-25.

Allele frequency attached by ClinVar (database versions not stated): gnomAD exomes 0.00003 and 0.00005; ExAC 0.00004; gnomAD 0.00016 and 0.00019; TOPMed 0.00021; ESP Exome Variant Server 0.00038.
gnomAD v4.1: 67 of 1,614,082 alleles (0.0042%); highest among the groups gnomAD compares: African/African-American, 0.059%; no homozygotes.

Submissions (2):

Ambry Genetics
Classification: Uncertain significance. Last evaluated: 2025-04-25. Review status: criteria provided, single submitter. Criteria: Ambry Variant Classification Scheme 2023. Collection method: clinical testing. Allele origin: germline.

Labcorp Genetics (formerly Invitae), Labcorp
Classification: Uncertain significance. Last evaluated: 2023-08-17. Review status: criteria provided, single submitter. Criteria: Invitae Variant Classification Sherloc (09022015). Collection method: clinical testing. Allele origin: germline.
Comment: Algorithms developed to predict the effect of missense changes on protein structure and function output the following: SIFT: "Not Available"; PolyPhen-2: "Benign"; Align-GVGD: "Not Available". The threonine amino acid residue is found in multiple mammalian species, which suggests that this missense change does not adversely affect protein function. ClinVar contains an entry for this variant (Variation ID: 1421535). This variant has not been reported in the literature in individuals affected with IGSF10-related conditions. This variant is present in population databases (rs146572757, gnomAD 0.04%). This sequence change replaces isoleucine, which is neutral and non-polar, with threonine, which is neutral and polar, at codon 1583 of the IGSF10 protein (p.Ile1583Thr). In summary, the available evidence is currently insufficient to determine the role of this variant in disease. Therefore, it has been classified as a Variant of Uncertain Significance.

NM_178822.5(IGSF10):c.4748T>C (p.Ile1583Thr)

Gene: IGSF10 (immunoglobulin superfamily member 10; minus strand). Cytogenetic location: 3q25.1.
Variant type: single nucleotide variant.
Coding change: c.4748T>C on transcript NM_178822.5 (MANE Select); coding-DNA position 4748, T replaced by C.
Protein change: p.Ile1583Thr; replaces isoleucine 1583 with threonine.
Molecular consequence: missense variant.
Genome position (GRCh38, 1-based): chr3:151,445,233, A>G on the plus strand (T>C on the coding strand, the complement: IGSF10 is on the minus strand). VCF-style: chr3-151445233-A-G. GRCh37 (hg19) VCF-style: chr3-151163021-A-G.
Other names: c.4748T>C, p.Ile1583Thr (NM_001385060.1, NM_001385061.1, NM_001385062.1 and 1 more transcripts); c.4748T>C (NM_178822.4); short protein forms I1583T.
Identifiers: ClinVar variation 1421535 (VCV001421535.10), dbSNP rs146572757, ClinGen allele CA2669908.